The following is an entry in ClinVar:

ClinVar aggregate classification (germline): Uncertain significance (1 of 4 stars; one submission).

Conditions:
Hereditary diffuse gastric adenocarcinoma (HDGC). Also called: DIFFUSE GASTRIC AND LOBULAR BREAST CANCER SYNDROME. Identifiers: Orphanet 26106, MedGen C1708349, MONDO:0007648, OMIM 137215.

Submission:

Labcorp Genetics (formerly Invitae), Labcorp
Classification: Uncertain significance for Hereditary diffuse gastric adenocarcinoma. Last evaluated: 2024-10-15. Review status: criteria provided, single submitter. Criteria: Invitae Variant Classification Sherloc (09022015). Collection method: clinical testing. Allele origin: germline.
Comment: This sequence change replaces valine, which is neutral and non-polar, with phenylalanine, which is neutral and non-polar, at codon 683 of the CDH1 protein (p.Val683Phe). This variant is not present in population databases (gnomAD no frequency). This variant has not been reported in the literature in individuals affected with CDH1-related conditions. ClinVar contains an entry for this variant (Variation ID: 665347). An algorithm developed to predict the effect of missense changes on protein structure and function (PolyPhen-2) suggests that this variant is likely to be disruptive. In summary, the available evidence is currently insufficient to determine the role of this variant in disease. Therefore, it has been classified as a Variant of Uncertain Significance.

NM_004360.5(CDH1):c.2047G>T (p.Val683Phe)

Gene: CDH1 (cadherin 1; plus strand). Cytogenetic location: 16q22.1.
Variant type: single nucleotide variant.
Coding change: c.2047G>T on transcript NM_004360.5 (MANE Select); coding-DNA position 2047, G replaced by T.
Protein change: p.Val683Phe; replaces valine 683 with phenylalanine.
Molecular consequence: missense variant.
Genome position (GRCh38, 1-based): chr16:68,823,509, G>T. VCF-style: chr16-68823509-G-T. GRCh37 (hg19) VCF-style: chr16-68857412-G-T.
Other names: c.1864G>T, p.Val622Phe (NM_001317184.2); c.499G>T, p.Val167Phe (NM_001317185.2); c.82G>T, p.Val28Phe (NM_001317186.2); c.2047G>T (LRG_301t1); short protein forms V167F, V28F, V622F, V683F.
Identifiers: ClinVar variation 665347 (VCV000665347.9), dbSNP rs758872535, ClinGen allele CA396467741.